The following is an entry in ClinVar:

NM_017570.5(OPLAH):c.1934G>A (p.Arg645His)

Gene: OPLAH (5-oxoprolinase, ATP-hydrolysing; minus strand). Cytogenetic location: 8q24.3.
Variant type: single nucleotide variant.
Coding change: c.1934G>A on transcript NM_017570.5 (MANE Select); coding-DNA position 1934, G replaced by A.
Protein change: p.Arg645His; replaces arginine 645 with histidine.
Molecular consequence: missense variant.
Genome position (GRCh38, 1-based): chr8:144,056,434, C>T on the plus strand (G>A on the coding strand, the complement: OPLAH is on the minus strand). VCF-style: chr8-144056434-C-T. GRCh37 (hg19) VCF-style: chr8-145111337-C-T.
Other names: short protein forms R645H.
Identifiers: ClinVar variation 4990470 (VCV004990470.1).

ClinVar aggregate classification (germline): Likely benign (1 of 4 stars; one submission).

Conditions:
OPLAH-related disorder. Also called: OPLAH-related condition.

Submission:

PreventionGenetics, part of Exact Sciences
Classification: Likely benign for OPLAH-related condition. Last evaluated: 2026-04-21. Review status: criteria provided, single submitter. Criteria: ACMG Guidelines, 2015. Collection method: clinical testing. Allele origin: germline.
Comment: This variant is classified as likely benign based on ACMG/AMP sequence variant interpretation guidelines (Richards et al. 2015 PMID: 25741868, with internal and published modifications).